The following continues an entry in ClinVar:

NM_016006.6(ABHD5):c.-19C>T

ClinVar aggregate classification (germline): Benign. Benign (4).

Submissions 30 to 47 of 47:

Dr. Peter K. Rogan Lab, Western University
No classification provided (evidence only). Condition: Sarcoma. Review status: no classification provided. Collection method: in vitro. Allele origin: not applicable. Functional consequence: retained intron. Not counted in ClinVar's aggregate classification.

Dr. Peter K. Rogan Lab, Western University
No classification provided (evidence only). Condition: Sarcoma. Review status: no classification provided. Collection method: in vitro. Allele origin: not applicable. Functional consequence: retained intron. Not counted in ClinVar's aggregate classification.

Dr. Peter K. Rogan Lab, Western University
No classification provided (evidence only). Condition: Malignant lymphoma, large B-cell, diffuse. Review status: no classification provided. Collection method: in vitro. Allele origin: not applicable. Functional consequence: retained intron. Not counted in ClinVar's aggregate classification.

Dr. Peter K. Rogan Lab, Western University
No classification provided (evidence only). Condition: Thymoma. Review status: no classification provided. Collection method: in vitro. Allele origin: not applicable. Functional consequence: retained intron. Not counted in ClinVar's aggregate classification.

Dr. Peter K. Rogan Lab, Western University
No classification provided (evidence only). Condition: Thymoma. Review status: no classification provided. Collection method: in vitro. Allele origin: not applicable. Functional consequence: retained intron. Not counted in ClinVar's aggregate classification.

Dr. Peter K. Rogan Lab, Western University
No classification provided (evidence only). Condition: Thymoma. Review status: no classification provided. Collection method: in vitro. Allele origin: not applicable. Functional consequence: retained intron. Not counted in ClinVar's aggregate classification.

Dr. Peter K. Rogan Lab, Western University
No classification provided (evidence only). Condition: Thymoma. Review status: no classification provided. Collection method: in vitro. Allele origin: not applicable. Functional consequence: retained intron. Not counted in ClinVar's aggregate classification.

Dr. Peter K. Rogan Lab, Western University
No classification provided (evidence only). Condition: Thymoma. Review status: no classification provided. Collection method: in vitro. Allele origin: not applicable. Functional consequence: retained intron. Not counted in ClinVar's aggregate classification.

Dr. Peter K. Rogan Lab, Western University
No classification provided (evidence only). Condition: Thymoma. Review status: no classification provided. Collection method: in vitro. Allele origin: not applicable. Functional consequence: retained intron. Not counted in ClinVar's aggregate classification.

Dr. Peter K. Rogan Lab, Western University
No classification provided (evidence only). Condition: Thymoma. Review status: no classification provided. Collection method: in vitro. Allele origin: not applicable. Functional consequence: retained intron. Not counted in ClinVar's aggregate classification.

Dr. Peter K. Rogan Lab, Western University
No classification provided (evidence only). Condition: Gastric cancer. Review status: no classification provided. Collection method: in vitro. Allele origin: not applicable. Functional consequence: retained intron. Not counted in ClinVar's aggregate classification.

Dr. Peter K. Rogan Lab, Western University
No classification provided (evidence only). Condition: Gastric cancer. Review status: no classification provided. Collection method: in vitro. Allele origin: not applicable. Functional consequence: retained intron. Not counted in ClinVar's aggregate classification.

Dr. Peter K. Rogan Lab, Western University
No classification provided (evidence only). Condition: Uveal melanoma. Review status: no classification provided. Collection method: in vitro. Allele origin: not applicable. Functional consequence: retained intron. Not counted in ClinVar's aggregate classification.

Dr. Peter K. Rogan Lab, Western University
No classification provided (evidence only). Condition: Malignant tumor of esophagus. Review status: no classification provided. Collection method: in vitro. Allele origin: not applicable. Functional consequence: retained intron. Not counted in ClinVar's aggregate classification.

Dr. Peter K. Rogan Lab, Western University
No classification provided (evidence only). Condition: Malignant tumor of esophagus. Review status: no classification provided. Collection method: in vitro. Allele origin: not applicable. Functional consequence: retained intron. Not counted in ClinVar's aggregate classification.

Dr. Peter K. Rogan Lab, Western University
No classification provided (evidence only). Condition: Malignant tumor of esophagus. Review status: no classification provided. Collection method: in vitro. Allele origin: not applicable. Functional consequence: retained intron. Not counted in ClinVar's aggregate classification.

Dr. Peter K. Rogan Lab, Western University
No classification provided (evidence only). Condition: Malignant tumor of esophagus. Review status: no classification provided. Collection method: in vitro. Allele origin: not applicable. Functional consequence: retained intron. Not counted in ClinVar's aggregate classification.

Dr. Peter K. Rogan Lab, Western University
No classification provided (evidence only). Condition: Malignant tumor of esophagus. Review status: no classification provided. Collection method: in vitro. Allele origin: not applicable. Functional consequence: retained intron. Not counted in ClinVar's aggregate classification.